The following is an entry in ClinVar:

ClinVar aggregate classification (germline): Conflicting classifications of pathogenicity. Review status: criteria provided, conflicting classifications (1 of 4 stars). 3 submissions from 3 submitters: Likely pathogenic (1); Uncertain significance (2). Last evaluated 2023-12-05.

Conditions:
Cardiac arrhythmia. Also called: Arrhythmia; Cardiac rhythm disease. Identifiers: MedGen C0003811, MONDO:0007263, HP:0011675.
Cardiomyopathy (CMYO). Also called: Cardiomyopathies. Identifiers: Orphanet 167848, MedGen C0878544, MONDO:0004994, HP:0001638. Inheritance: Various modes of inheritance.

Allele frequency attached by ClinVar (database versions not stated): gnomAD 0.00001.

Submissions (3):

Color Diagnostics, LLC DBA Color Health
Classification: Uncertain significance for Cardiomyopathy. Last evaluated: 2023-12-05. Review status: criteria provided, single submitter. Criteria: ACMG Guidelines, 2015. Collection method: clinical testing. Allele origin: germline.
Comment: This missense variant replaces methionine with arginine at codon 1347 of the RYR2 protein. Computational prediction tools and conservation analyses are inconclusive regarding the impact of this variant on the protein function. Computational splicing tools suggest that this variant may not impact RNA splicing. To our knowledge, functional assays have not been performed for this variant nor has this variant been reported in individuals affected with cardiovascular disorders in the literature. This variant has not been identified in the general population by the Genome Aggregation Database (gnomAD). Available evidence is insufficient to determine the role of this variant in disease conclusively. Therefore, this variant is classified as a Variant of Uncertain Significance.

Stanford Center for Inherited Cardiovascular Disease, Stanford University
Classification: Uncertain significance. Last evaluated: 2015-10-05. Review status: criteria provided, single submitter. Criteria: ACMG Guidelines, 2015. Collection method: provider interpretation. Allele origin: germline.

Women's Health and Genetics/Laboratory Corporation of America, LabCorp
Classification: Likely pathogenic for Arrhythmia. Last evaluated: 2011-08-18. Review status: criteria provided, single submitter. Criteria: LabCorp Variant Classification Summary - May 2015. Collection method: curation. Allele origin: germline. Inheritance: autosomal unknown. Affected: yes.
ClinVar note: Converted during submission from likely pathogenic to Likely pathogenic.

NM_001035.3(RYR2):c.4040T>G (p.Met1347Arg)

Genes: RYR2 (ryanodine receptor 2; plus strand), LOC126806067 (BRD4-independent group 4 enhancer GRCh37_chr1:237753258-237754457; plus strand). Cytogenetic location: 1q43.
Variant type: single nucleotide variant.
Coding change: c.4040T>G on transcript NM_001035.3 (MANE Select); coding-DNA position 4040, T replaced by G.
Protein change: p.Met1347Arg; replaces methionine 1347 with arginine.
Molecular consequence: missense variant.
Genome position (GRCh38, 1-based): chr1:237,590,872, T>G. VCF-style: chr1-237590872-T-G. GRCh37 (hg19) VCF-style: chr1-237754172-T-G.
Other names: c.4040T>G, p.Met1347Arg (LRG_402t1); short protein forms M1347R.
Identifiers: ClinVar variation 36742 (VCV000036742.11), dbSNP rs193922625, ClinGen allele CA009434.